The following is an entry in ClinVar:

ClinVar aggregate classification (germline): Conflicting classifications of pathogenicity. Review status: criteria provided, conflicting classifications (1 of 4 stars). 4 submissions from 4 submitters: Uncertain significance (1); Likely benign (3). Last evaluated 2026-01-14.

Conditions:
Atrioventricular septal defect 5 (AVSD5). Identifiers: MedGen C3280939, MONDO:0013769, OMIM 614474.

Submissions (4):

Labcorp Genetics (formerly Invitae), Labcorp
Classification: Uncertain significance for Atrioventricular septal defect 5. Last evaluated: 2026-01-14. Review status: criteria provided, single submitter. Criteria: Invitae Variant Classification Sherloc (09022015). Collection method: clinical testing. Allele origin: germline.
Comment: This variant, c.990_998del, results in the deletion of 3 amino acid(s) of the GATA6 protein (p.His331_His333del), but otherwise preserves the integrity of the reading frame. The frequency data for this variant in the population databases is considered unreliable, as metrics indicate poor data quality at this position in the gnomAD database. This variant has not been reported in the literature in individuals affected with GATA6-related conditions. ClinVar contains an entry for this variant (Variation ID: 835877). Experimental studies and prediction algorithms are not available or were not evaluated, and the functional significance of this variant is currently unknown. In summary, the available evidence is currently insufficient to determine the role of this variant in disease. Therefore, it has been classified as a Variant of Uncertain Significance.

Blueprint Genetics
Classification: Likely benign. Last evaluated: 2024-10-23. Review status: criteria provided, single submitter. Criteria: ACMG Guidelines, 2015. Collection method: clinical testing. Allele origin: germline.

CeGaT Center for Human Genetics Tuebingen
Classification: Likely benign. Last evaluated: 2023-06-01. Review status: criteria provided, single submitter. Criteria: CeGaT Center For Human Genetics Tuebingen Variant Classification Criteria Version 2. Collection method: clinical testing. Allele origin: germline. Affected: yes. Observed: 1 variant allele.
Comment: GATA6: BP3

GeneDx
Classification: Likely benign. Last evaluated: 2020-04-24. Review status: criteria provided, single submitter. Criteria: GeneDx Variant Classification Process June 2021. Collection method: clinical testing. Allele origin: germline. Affected: yes.

NM_005257.6(GATA6):c.969CCA[7] (p.His331_His333del)

Gene: GATA6 (GATA binding protein 6; plus strand). Cytogenetic location: 18q11.2.
Variant type: Microsatellite.
Coding change: c.969CCA[7] on transcript NM_005257.6 (MANE Select); seven copies in a row of the 3-base unit CCA starting at c.969; the reference has ten copies in a row; three copies, 9 bases deleted.
Protein change: p.His331_His333del.
Molecular consequence: inframe deletion.
Genome position (GRCh38, 1-based): chr18:22,172,134-22,172,142, CCACCACCA deleted; deleting any 9 consecutive bases within chr18:22,172,112-22,172,142 gives the same sequence; the position shown is the placement nearest the transcript's 3' end. VCF-style (leftmost placement, unchanged base first): chr18-22172111-TACCACCACC-T. GRCh37 (hg19) VCF-style: chr18-19752072-TACCACCACC-T.
Identifiers: ClinVar variation 835877 (VCV000835877.34), dbSNP rs562588574, ClinGen allele CA297148032.